The following is an entry in ClinVar:

NM_000051.4(ATM):c.8792G>A (p.Cys2931Tyr)

Genes: ATM (ATM serine/threonine kinase; plus strand), C11orf65 (chromosome 11 open reading frame 65; minus strand). Cytogenetic location: 11q22.3.
Variant type: single nucleotide variant.
Coding change: c.8792G>A on transcript NM_000051.4 (MANE Select); coding-DNA position 8792, G replaced by A.
Protein change: p.Cys2931Tyr; replaces cysteine 2931 with tyrosine.
Molecular consequence: missense variant. On other transcripts: intron variant (2).
Genome position (GRCh38, 1-based): chr11:108,354,816, G>A. VCF-style: chr11-108354816-G-A. GRCh37 (hg19) VCF-style: chr11-108225543-G-A.
Other names: c.8792G>A, p.Cys2931Tyr (NM_001351834.2); c.640+31104C>T (NM_001330368.2); c.695-19524C>T (NM_001351110.2); short protein forms C2931Y.
Identifiers: ClinVar variation 566891 (VCV000566891.9), dbSNP rs1060501563, ClinGen allele CA382525552.

ClinVar aggregate classification (germline): Conflicting classifications of pathogenicity. Review status: criteria provided, conflicting classifications (1 of 4 stars). 3 submissions from 3 submitters: Likely pathogenic (1); Uncertain significance (2). Last evaluated 2026-07-22.

Conditions:
Hereditary cancer-predisposing syndrome. Also called: Hereditary Cancer Syndrome; Neoplastic Syndromes, Hereditary; Tumor predisposition; Hereditary neoplastic syndrome. Identifiers: Orphanet 140162, MedGen C0027672, MeSH D009386, MONDO:0015356.
Ataxia-telangiectasia syndrome (AT). Also called: Cerebello-oculocutaneous telangiectasia; Immunodeficiency with ataxia telangiectasia; Ataxia-telangiectasia, complementation group E; Ataxia-telangiectasia, complementation group D; AT, COMPLEMENTATION GROUP C; ATAXIA-TELANGIECTASIA, COMPLEMENTATION GROUP A. Identifiers: Orphanet 100, MedGen C0004135, MONDO:0008840, OMIM 208900.
Familial cancer of breast. Also called: BREAST CANCER, FAMILIAL; Hereditary breast cancer; hereditary breast carcinoma. Identifiers: Orphanet 227535, MedGen C0346153, MONDO:0016419, OMIM 114480. Disease mechanism: loss of function.

Submissions (3):

Myriad Genetics, Inc.
Classification: Likely pathogenic for Familial cancer of breast. Last evaluated: 2026-07-22. Review status: criteria provided, single submitter. Criteria: Myriad Autosomal Dominant, Autosomal Recessive and X-Linked Classification Criteria (2023). Collection method: clinical testing. Allele origin: unknown.
Comment: This variant is considered likely pathogenic. This variant has been reported in an individual with clinical features of gene-specific disease [PMID: 32366930]. Functional studies indicate this variant impacts protein function [PMID: 40580951]. This variant is expected to disrupt protein structure [Myriad internal data].

Ambry Genetics
Classification: Uncertain significance for Hereditary cancer-predisposing syndrome. Last evaluated: 2025-01-08. Review status: criteria provided, single submitter. Criteria: Ambry Variant Classification Scheme 2023. Collection method: clinical testing. Allele origin: germline.
Comment: The p.C2931Y variant (also known as c.8792G>A), located in coding exon 60 of the ATM gene, results from a G to A substitution at nucleotide position 8792. The cysteine at codon 2931 is replaced by tyrosine, an amino acid with highly dissimilar properties. This amino acid position is conserved. In addition, this alteration is predicted to be deleterious by in silico analysis. Based on the available evidence, the clinical significance of this variant remains unclear.

Labcorp Genetics (formerly Invitae), Labcorp
Classification: Uncertain significance for Ataxia-telangiectasia syndrome. Last evaluated: 2022-01-26. Review status: criteria provided, single submitter. Criteria: Invitae Variant Classification Sherloc (09022015). Collection method: clinical testing. Allele origin: germline.
Comment: This variant has not been reported in the literature in individuals affected with ATM-related conditions. This sequence change replaces cysteine, which is neutral and slightly polar, with tyrosine, which is neutral and polar, at codon 2931 of the ATM protein (p.Cys2931Tyr). This variant is not present in population databases (gnomAD no frequency). ClinVar contains an entry for this variant (Variation ID: 566891). Advanced modeling of protein sequence and biophysical properties (such as structural, functional, and spatial information, amino acid conservation, physicochemical variation, residue mobility, and thermodynamic stability) performed at Invitae indicates that this missense variant is expected to disrupt ATM protein function. In summary, the available evidence is currently insufficient to determine the role of this variant in disease. Therefore, it has been classified as a Variant of Uncertain Significance.

Literature cited by the submitters: PubMed 32366930 (cited by Myriad Genetics, Inc.); PubMed 40580951 (cited by Myriad Genetics, Inc.).